The following is an entry in ClinVar:

ClinVar aggregate classification (germline): Pathogenic/Likely pathogenic. Review status: criteria provided, multiple submitters, no conflicts (2 of 4 stars). 4 submissions from 4 submitters: Pathogenic (2); Likely pathogenic (2). Last evaluated 2023-11-06.

Conditions:
Autosomal recessive congenital ichthyosis 1 (LI1). Also called: ICHTHYOSIS, CONGENITAL, AUTOSOMAL RECESSIVE 1, WITH BATHING SUIT DISTRIBUTION; ICHTHYOSIS, CONGENITAL, AUTOSOMAL RECESSIVE 1, WITH OR WITHOUT BATHING SUIT DISTRIBUTION; DESQUAMATION OF NEWBORN; COLLODION FETUS; ICHTHYOSIS CONGENITA; ICHTHYOSIS CONGENITA II. Identifiers: MedGen C4551630, MONDO:0009441, OMIM 242300.
TGM1-related disorder. Also called: TGM1-related condition.

Allele frequency attached by ClinVar (database versions not stated): TOPMed below 0.00001; gnomAD exomes 0.00001 and 0.00002.
gnomAD v4.1: 30 of 1,567,926 alleles (0.0019%); highest among the groups gnomAD compares: Non-Finnish European, 0.0026%; no homozygotes.

Submissions (4):

Labcorp Genetics (formerly Invitae), Labcorp
Classification: Pathogenic. Last evaluated: 2023-11-06. Review status: criteria provided, single submitter. Criteria: Invitae Variant Classification Sherloc (09022015). Collection method: clinical testing. Allele origin: germline.
Comment: This sequence change replaces proline, which is neutral and non-polar, with serine, which is neutral and polar, at codon 474 of the TGM1 protein (p.Pro474Ser). The frequency data for this variant in the population databases is considered unreliable, as metrics indicate poor data quality at this position in the gnomAD database. This missense change has been observed in individuals with congenital ichthyosis (PMID: 30578701, 31168818, 35412663). ClinVar contains an entry for this variant (Variation ID: 633790). Advanced modeling of protein sequence and biophysical properties (such as structural, functional, and spatial information, amino acid conservation, physicochemical variation, residue mobility, and thermodynamic stability) performed at Invitae indicates that this missense variant is expected to disrupt TGM1 protein function with a positive predictive value of 95%. For these reasons, this variant has been classified as Pathogenic.

Blueprint Genetics
Classification: Pathogenic for TGM1-related disorders. Last evaluated: 2022-09-08. Review status: criteria provided, single submitter. Criteria: ACMG Guidelines, 2015. Collection method: clinical testing. Allele origin: germline. Affected: yes. Observed: 1 variant allele.

Uitto Lab, Thomas Jefferson University
Classification: Likely pathogenic for Congenita IIs, Ichthyosis. Last evaluated: 2018-06-08. Review status: criteria provided, single submitter. Criteria: ACMG Guidelines, 2015. Collection method: clinical testing. Allele origin: germline. Affected: yes. Study: Rare heritable connective tissue and skin disorders in Iranian cohort.

Genome-Nilou Lab
Classification: Likely pathogenic for Autosomal recessive congenital ichthyosis 1. Review status: criteria provided, single submitter. Criteria: ACMG Guidelines, 2015. Collection method: clinical testing. Allele origin: germline.

Literature cited by the submitters: PubMed 30578701 (cited by Labcorp Genetics (formerly Invitae), Labcorp); PubMed 31168818 (cited by Labcorp Genetics (formerly Invitae), Labcorp); PubMed 35412663 (cited by Labcorp Genetics (formerly Invitae), Labcorp).

NM_000359.3(TGM1):c.1420C>T (p.Pro474Ser)

Gene: TGM1 (transglutaminase 1; minus strand). Cytogenetic location: 14q12.
Variant type: single nucleotide variant.
Coding change: c.1420C>T on transcript NM_000359.3 (MANE Select); coding-DNA position 1420, C replaced by T.
Protein change: p.Pro474Ser; replaces proline 474 with serine.
Molecular consequence: missense variant.
Genome position (GRCh38, 1-based): chr14:24,256,060, G>A on the plus strand (C>T on the coding strand, the complement: TGM1 is on the minus strand). VCF-style: chr14-24256060-G-A. GRCh37 (hg19) VCF-style: chr14-24725266-G-A.
Other names: short protein forms P474S.
Identifiers: ClinVar variation 633790 (VCV000633790.11), dbSNP rs1202280089, ClinGen allele CA389256809.
Genomic context (GRCh38, chr14:24,256,060, plus strand): 5'-TGAAAGGCGTGTCGTACTTCATGTAGACCAGGCCATTCTTGATGGACTCCACAGAGCAGG[G>A]GCCGCAGCAGAAGATGCCTAGAGAGTGAGGCGGGACAGAGGCAAGAGATCTGAGAAGGCG-3'
Protein context (NP_000350.1, residues 464-484): ETSSGIFCCG[Pro474Ser]CSVESIKNGL